The following is an entry in ClinVar:

NM_015450.3(POT1):c.975G>C (p.Glu325Asp)

Gene: POT1 (protection of telomeres 1; minus strand). Cytogenetic location: 7q31.33.
Variant type: single nucleotide variant.
Coding change: c.975G>C on transcript NM_015450.3 (MANE Select); coding-DNA position 975, G replaced by C.
Protein change: p.Glu325Asp; replaces glutamic acid 325 with aspartic acid.
Molecular consequence: missense variant. On other transcripts: non-coding transcript variant (3).
Genome position (GRCh38, 1-based): chr7:124,846,973, C>G on the plus strand (G>C on the coding strand, the complement: POT1 is on the minus strand). VCF-style: chr7-124846973-C-G. GRCh37 (hg19) VCF-style: chr7-124487027-C-G.
Other names: c.582G>C, p.Glu194Asp (NM_001042594.2); short protein forms E194D, E325D.
Identifiers: ClinVar variation 3423100 (VCV003423100.1).

ClinVar aggregate classification (germline): Uncertain significance (1 of 4 stars; one submission).

Conditions:
Hereditary cancer-predisposing syndrome. Also called: Neoplastic Syndromes, Hereditary; Tumor predisposition; Hereditary Cancer Syndrome; Hereditary neoplastic syndrome. Identifiers: Orphanet 140162, MedGen C0027672, MeSH D009386, MONDO:0015356.

Submission:

Ambry Genetics
Classification: Uncertain significance for Hereditary cancer-predisposing syndrome. Last evaluated: 2024-07-09. Review status: criteria provided, single submitter. Criteria: Ambry Variant Classification Scheme 2023. Collection method: clinical testing. Allele origin: germline.
Comment: The p.E325D variant (also known as c.975G>C), located in coding exon 8 of the POT1 gene, results from a G to C substitution at nucleotide position 975. The glutamic acid at codon 325 is replaced by aspartic acid, an amino acid with highly similar properties. This amino acid position is conserved. In addition, this alteration is predicted to be tolerated by in silico analysis. Based on the available evidence, the clinical significance of this variant remains unclear.